The following is an entry in ClinVar:

ClinVar aggregate classification (germline): Uncertain significance (1 of 4 stars; one submission).

Submission:

CeGaT Center for Human Genetics Tuebingen
Classification: Uncertain significance. Last evaluated: 2022-05-01. Review status: criteria provided, single submitter. Criteria: CeGaT Center For Human Genetics Tuebingen Variant Classification Criteria Version 2. Collection method: clinical testing. Allele origin: germline. Affected: yes. Observed: 1 variant allele.
Comment: NOTCH1: PM2, BP4

NM_017617.5(NOTCH1):c.866-8C>A

Gene: NOTCH1 (notch receptor 1; minus strand). Cytogenetic location: 9q34.3.
Variant type: single nucleotide variant.
Coding change: c.866-8C>A on transcript NM_017617.5 (MANE Select); 8 bases into the intron before coding-DNA position 866, C replaced by A.
Molecular consequence: intron variant.
Genome position (GRCh38, 1-based): chr9:136,518,832, G>T on the plus strand (C>A on the coding strand, the complement: NOTCH1 is on the minus strand). VCF-style: chr9-136518832-G-T. GRCh37 (hg19) VCF-style: chr9-139413284-G-T.
Identifiers: ClinVar variation 1695274 (VCV001695274.31), dbSNP rs2133371734, ClinGen allele CA2580080941.